The following is an entry in ClinVar:

NC_000003.11:g.(?_182743523)_(182743612_?)del

Gene: MCCC1 (methylcrotonyl-CoA carboxylase subunit 1; minus strand). Cytogenetic location: 3q27.1.
Variant type: Deletion.
Identifiers: ClinVar variation 3246942 (VCV003246942.1).

ClinVar aggregate classification (germline): Pathogenic (1 of 4 stars; one submission).

Conditions:
3-methylcrotonyl-CoA carboxylase 1 deficiency (MCC1D). Also called: MCC 1 deficiency; 3 Alpha methylcrotonylglycinuria 1; MCCD TYPE 1; METHYLCROTONYLGLYCINURIA TYPE I. Identifiers: Orphanet 6, MedGen CN028786, MONDO:0008861, OMIM 210200.

Submission:

Labcorp Genetics (formerly Invitae), Labcorp
Classification: Pathogenic for 3-methylcrotonyl-CoA carboxylase 1 deficiency. Last evaluated: 2023-12-21. Review status: criteria provided, single submitter. Criteria: Invitae Variant Classification Sherloc (09022015). Collection method: clinical testing. Allele origin: unknown.
Comment: This variant is a gross deletion of the genomic region encompassing exon(s) 15 of the MCCC1 gene. This deletion is out-of-frame, and is expected to create a premature termination codon and result in an absent or disrupted protein product. Loss-of-function variants in MCCC1 are known to be pathogenic (PMID: 11181649, 15359379, 22642865). This variant has not been reported in the literature in individuals affected with MCCC1-related conditions. For these reasons, this variant has been classified as Pathogenic.

Literature cited by the submitters: PubMed 11181649; PubMed 15359379; PubMed 22642865.